The following is an entry in ClinVar:

NM_004281.4(BAG3):c.122A>G (p.Asp41Gly)

Gene: BAG3 (BAG cochaperone 3; plus strand). Cytogenetic location: 10q26.11.
Variant type: single nucleotide variant.
Coding change: c.122A>G on transcript NM_004281.4 (MANE Select); coding-DNA position 122, A replaced by G.
Protein change: p.Asp41Gly; replaces aspartic acid 41 with glycine.
Molecular consequence: missense variant.
Genome position (GRCh38, 1-based): chr10:119,651,797, A>G. VCF-style: chr10-119651797-A-G. GRCh37 (hg19) VCF-style: chr10-121411309-A-G.
Other names: short protein forms D41G.
Identifiers: ClinVar variation 1410697 (VCV001410697.6), dbSNP rs2134050615, ClinGen allele CA378294226.

ClinVar aggregate classification (germline): Uncertain significance (1 of 4 stars; one submission).

Conditions:
Dilated cardiomyopathy 1HH (CMD1HH). Identifiers: Orphanet 154, MedGen C3151293, MONDO:0013479, OMIM 613881.
Myofibrillar myopathy 6. Identifiers: Orphanet 199340, MedGen C2751831, MONDO:0013061, OMIM 612954.

Submission:

Labcorp Genetics (formerly Invitae), Labcorp
Classification: Uncertain significance for Dilated cardiomyopathy 1HH; Myofibrillar myopathy 6. Last evaluated: 2021-10-16. Review status: criteria provided, single submitter. Criteria: Invitae Variant Classification Sherloc (09022015). Collection method: clinical testing. Allele origin: germline.
Comment: This sequence change replaces aspartic acid with glycine at codon 41 of the BAG3 protein (p.Asp41Gly). The aspartic acid residue is highly conserved and there is a moderate physicochemical difference between aspartic acid and glycine. This variant is not present in population databases (ExAC no frequency). This variant has not been reported in the literature in individuals affected with BAG3-related conditions. Algorithms developed to predict the effect of missense changes on protein structure and function are either unavailable or do not agree on the potential impact of this missense change (SIFT: "Deleterious"; PolyPhen-2: "Possibly Damaging"; Align-GVGD: "Class C0"). In summary, the available evidence is currently insufficient to determine the role of this variant in disease. Therefore, it has been classified as a Variant of Uncertain Significance.